The following is an entry in ClinVar:

NM_000301.5(PLG):c.630C>A (p.Asp210Glu)

Gene: PLG (plasminogen; plus strand). Cytogenetic location: 6q26.
Variant type: single nucleotide variant.
Coding change: c.630C>A on transcript NM_000301.5 (MANE Select); coding-DNA position 630, C replaced by A.
Protein change: p.Asp210Glu; replaces aspartic acid 210 with glutamic acid.
Molecular consequence: missense variant.
Genome position (GRCh38, 1-based): chr6:160,714,876, C>A. VCF-style: chr6-160714876-C-A. GRCh37 (hg19) VCF-style: chr6-161135908-C-A.
Other names: short protein forms D210E.
Identifiers: ClinVar variation 1940704 (VCV001940704.5), dbSNP rs1777704467, ClinGen allele CA366362110.

ClinVar aggregate classification (germline): Uncertain significance (1 of 4 stars; one submission).

Allele frequency attached by ClinVar (database versions not stated): TOPMed below 0.00001; gnomAD 0.00001.
gnomAD v4.1: 8 of 1,613,596 alleles (0.0005%); highest among the groups gnomAD compares: African/African-American, 0.0013%; no homozygotes.

Submission:

Labcorp Genetics (formerly Invitae), Labcorp
Classification: Uncertain significance. Last evaluated: 2025-05-08. Review status: criteria provided, single submitter. Criteria: Invitae Variant Classification Sherloc (09022015). Collection method: clinical testing. Allele origin: germline.
Comment: This sequence change replaces aspartic acid, which is acidic and polar, with glutamic acid, which is acidic and polar, at codon 210 of the PLG protein (p.Asp210Glu). This variant is not present in population databases (gnomAD no frequency). This variant has not been reported in the literature in individuals affected with PLG-related conditions. ClinVar contains an entry for this variant (Variation ID: 1940704). Invitae Evidence Modeling of protein sequence and biophysical properties (such as structural, functional, and spatial information, amino acid conservation, physicochemical variation, residue mobility, and thermodynamic stability) indicates that this missense variant is not expected to disrupt PLG protein function with a negative predictive value of 80%. In summary, the available evidence is currently insufficient to determine the role of this variant in disease. Therefore, it has been classified as a Variant of Uncertain Significance.